The following is an entry in ClinVar:

ClinVar aggregate classification (germline): Likely benign. Review status: criteria provided, single submitter (1 of 4 stars). 2 submissions from 2 submitters: Likely benign (1). 1 of the submissions does not count toward it. Last evaluated 2025-10-07.

Conditions:
PHIP-related disorder. Also called: PHIP-related disorders; PHIP-related condition.

Allele frequency attached by ClinVar (database versions not stated): ExAC 0.00001.
gnomAD v4.1: 3 of 1,534,088 alleles (0.0002%); highest among the groups gnomAD compares: Non-Finnish European, 0.00026%; no homozygotes.

Submissions (2):

Labcorp Genetics (formerly Invitae), Labcorp
Classification: Likely benign. Last evaluated: 2025-10-07. Review status: criteria provided, single submitter. Criteria: Invitae Variant Classification Sherloc (09022015). Collection method: clinical testing. Allele origin: germline.

PreventionGenetics, part of Exact Sciences
Classification: Likely benign for PHIP-related condition. Last evaluated: 2022-12-09. Review status: no assertion criteria provided. Collection method: clinical testing. Allele origin: germline. Not counted in ClinVar's aggregate classification.
Comment: This variant is classified as likely benign based on ACMG/AMP sequence variant interpretation guidelines (Richards et al. 2015 PMID: 25741868, with internal and published modifications).

NM_017934.7(PHIP):c.130-10C>G

Gene: PHIP (PHIP subunit of CUL4-Ring ligase complex; minus strand). Cytogenetic location: 6q14.1.
Variant type: single nucleotide variant.
Coding change: c.130-10C>G on transcript NM_017934.7 (MANE Select); 10 bases into the intron before coding-DNA position 130, C replaced by G.
Molecular consequence: intron variant.
Genome position (GRCh38, 1-based): chr6:79,077,517, G>C on the plus strand (C>G on the coding strand, the complement: PHIP is on the minus strand). VCF-style: chr6-79077517-G-C. GRCh37 (hg19) VCF-style: chr6-79787234-G-C.
Other names: c.130-10C>G (NM_017934.6).
Identifiers: ClinVar variation 2869936 (VCV002869936.5), dbSNP rs770091688, ClinGen allele CA3900441.
Genomic context (GRCh38, chr6:79,077,517, plus strand): 5'-GTAGGTCCTGGGATGCTCCTTCCCGGTCCAGTCGGTGCGCCGGGGCAGCAGCTGCGGGGA[G>C]AGGACACCCCGTGAGCCCGGCCCCCGGCCCCTACCCGCCCGCTCCCCTCCCCCGCCCGCC-3'